The following is an entry in ClinVar:

ClinVar aggregate classification (germline): Uncertain significance (1 of 4 stars; one submission).

Submission:

Labcorp Genetics (formerly Invitae), Labcorp
Classification: Uncertain significance. Last evaluated: 2022-08-09. Review status: criteria provided, single submitter. Criteria: Invitae Variant Classification Sherloc (09022015). Collection method: clinical testing. Allele origin: germline.
Comment: In summary, the available evidence is currently insufficient to determine the role of this variant in disease. Therefore, it has been classified as a Variant of Uncertain Significance. Algorithms developed to predict the effect of missense changes on protein structure and function output the following: SIFT: "Tolerated"; PolyPhen-2: "Benign"; Align-GVGD: "Class C0". The isoleucine amino acid residue is found in multiple mammalian species, which suggests that this missense change does not adversely affect protein function. This variant has not been reported in the literature in individuals affected with TUBGCP6-related conditions. This variant is not present in population databases (gnomAD no frequency). This sequence change replaces valine, which is neutral and non-polar, with isoleucine, which is neutral and non-polar, at codon 143 of the TUBGCP6 protein (p.Val143Ile).

NM_020461.4(TUBGCP6):c.427G>A (p.Val143Ile)

Gene: TUBGCP6 (tubulin gamma complex component 6; minus strand). Cytogenetic location: 22q13.33.
Variant type: single nucleotide variant.
Coding change: c.427G>A on transcript NM_020461.4 (MANE Select); coding-DNA position 427, G replaced by A.
Protein change: p.Val143Ile; replaces valine 143 with isoleucine.
Molecular consequence: missense variant.
Genome position (GRCh38, 1-based): chr22:50,244,033, C>T on the plus strand (G>A on the coding strand, the complement: TUBGCP6 is on the minus strand). VCF-style: chr22-50244033-C-T. GRCh37 (hg19) VCF-style: chr22-50682462-C-T.
Other names: short protein forms V143I.
Identifiers: ClinVar variation 1952467 (VCV001952467.5), dbSNP rs1428638196, ClinGen allele CA412115406.